The following is an entry in ClinVar:

NM_001173990.3(TMEM216):c.398T>G (p.Leu133Ter)

Gene: TMEM216 (transmembrane protein 216; plus strand). Cytogenetic location: 11q12.2.
Variant type: single nucleotide variant.
Coding change: c.398T>G on transcript NM_001173990.3 (MANE Select); coding-DNA position 398, T replaced by G.
Protein change: p.Leu133Ter; replaces leucine 133 with a stop codon.
Molecular consequence: nonsense.
Genome position (GRCh38, 1-based): chr11:61,397,942, T>G. VCF-style: chr11-61397942-T-G. GRCh37 (hg19) VCF-style: chr11-61165414-T-G.
Other names: c.398T>G, p.Leu133Ter (NM_001173991.3); c.215T>G, p.Leu72Ter (NM_001330285.2, NM_016499.6); c.398T>G (NM_001173991.2); short protein forms L133*, L72*.
Identifiers: ClinVar variation 217704 (VCV000217704.18), dbSNP rs755459875, ClinGen allele CA277700.

ClinVar aggregate classification (germline): Conflicting classifications of pathogenicity. Review status: criteria provided, conflicting classifications (1 of 4 stars). 8 submissions from 8 submitters: Pathogenic (4); Likely pathogenic (3); Uncertain significance (1). Last evaluated 2026-03-10.

Conditions:
Joubert syndrome 2 (JBTS2). Also called: CEREBELLOOCULORENAL SYNDROME 2. Identifiers: Orphanet 2318, MedGen C1842577, MONDO:0011963, OMIM 608091.
Meckel syndrome, type 2 (MKS2). Also called: MKS2-Related Meckel Syndrome; MECKEL-GRUBER SYNDROME, TYPE 2. Identifiers: Orphanet 564, MedGen C1864148, MONDO:0011296, OMIM 603194.
TMEM216-related disorder. Also called: TMEM216-related condition; TMEM216-related disorders.
Joubert syndrome. Also called: Familial aplasia of the vermis; JOUBERT-BOLTSHAUSER SYNDROME. Identifiers: Orphanet 475, MedGen C5979921, MONDO:0018772.

Allele frequency attached by ClinVar (database versions not stated): ExAC 0.00001; gnomAD exomes 0.00001; TOPMed 0.00002; gnomAD 0.00003.

Submissions (8):

PreventionGenetics, part of Exact Sciences
Classification: Pathogenic for TMEM216-related condition. Last evaluated: 2026-03-10. Review status: criteria provided, single submitter. Criteria: ACMG Guidelines, 2015. Collection method: clinical testing. Allele origin: germline.
Comment: The TMEM216 c.398T>G variant is predicted to result in premature protein termination (p.Leu133*). This variant has been identified in combination with another TMEM216 variant in two presumably unrelated individuals with autosomal recessive TMEM216-related disorders (Valente et al. 2010. PubMed ID: 20512146; Bachmann-Gagescu et al. 2015. PubMed ID: 26092869). This variant is reported in 0.0018% of alleles in individuals of European (non-Finnish) descent in gnomAD and is classified as likely pathogenic or pathogenic in ClinVar (Variation ID: 217704). Nonsense variants in TMEM216 are expected to be pathogenic. This variant is interpreted as pathogenic.

Women's Health and Genetics/Laboratory Corporation of America, LabCorp
Classification: Pathogenic for Joubert syndrome 2. Last evaluated: 2026-02-06. Review status: criteria provided, single submitter. Criteria: LabCorp Variant Classification Summary - May 2015. Collection method: clinical testing. Allele origin: germline.
Comment: Variant summary: TMEM216 c.398T>G (p.Leu133X) results in a premature termination codon, predicted to cause a truncation of the encoded protein or absence of the protein due to nonsense mediated decay, which are commonly known mechanisms for disease. The variant allele was found at a frequency of 8e-06 in 249212 control chromosomes. c.398T>G has been observed in individual(s) affected with Joubert Syndrome 2 (Valente_2010, Bachmann-Gagescu_2015). To our knowledge, no experimental evidence demonstrating an impact on protein function has been reported. The following publications have been ascertained in the context of this evaluation (PMID: 26092869, 20512146). ClinVar contains an entry for this variant (Variation ID: 217704). Based on the evidence outlined above, the variant was classified as pathogenic.

Natera, Inc.
Classification: Likely pathogenic for Joubert syndrome type 2. Last evaluated: 2025-08-18. Review status: criteria provided, single submitter. Criteria: Natera Variant Classification Schema (03/2026). Collection method: clinical testing. Allele origin: germline.
Comment: The c.398T>G variant in TMEM216 is a nonsense variant predicted to introduce a stop codon at amino acid 133. This variant may result in a truncated or dysfunctional protein product. This variant is rare in the general population with a frequency below the threshold expected for the associated phenotype(s). This variant has been observed in one or more individuals affected with the associated recessive disease, as either homozygous or compound heterozygous with a second variant (PMID: 20512146, 26092869). Given the available evidence, this variant is classified as Likely Pathogenic.

Blueprint Genetics
Classification: Uncertain significance. Last evaluated: 2024-09-01. Review status: criteria provided, single submitter. Criteria: ACMG Guidelines, 2015. Collection method: clinical testing. Allele origin: germline.

Fulgent Genetics
Classification: Likely pathogenic for Meckel syndrome, type 2; Joubert syndrome 2. Last evaluated: 2024-02-19. Review status: criteria provided, single submitter. Criteria: ACMG Guidelines, 2015. Collection method: clinical testing. Allele origin: germline.

Labcorp Genetics (formerly Invitae), Labcorp
Classification: Pathogenic for Joubert syndrome. Last evaluated: 2023-07-14. Review status: criteria provided, single submitter. Criteria: Invitae Variant Classification Sherloc (09022015). Collection method: clinical testing. Allele origin: germline.
Comment: For these reasons, this variant has been classified as Pathogenic. ClinVar contains an entry for this variant (Variation ID: 217704). This premature translational stop signal has been observed in individual(s) with Joubert syndrome (PMID: 20512146, 26092869). This variant is present in population databases (rs755459875, gnomAD 0.002%). This sequence change creates a premature translational stop signal (p.Leu133*) in the TMEM216 gene. While this is not anticipated to result in nonsense mediated decay, it is expected to disrupt the last 13 amino acid(s) of the TMEM216 protein.

GeneDx
Classification: Likely pathogenic. Last evaluated: 2018-10-29. Review status: criteria provided, single submitter. Criteria: GeneDx Variant Classification (06012015). Collection method: clinical testing. Allele origin: germline. Affected: yes.
Comment: The L133X variant in the TMEM216 gene has been reported previously, along with a TMEM216 missense variant, in individuals with clinical findings of Joubert syndrome (Valente et al., 2010; Bachmann-Gagescu et al., 2015). This variant is predicted to cause loss of normal protein function through protein truncation. The L133X variant is not observed at a significant frequency in large population cohorts (Lek et al., 2016). We interpret L133X as a likely pathogenic variant.

UW Hindbrain Malformation Research Program, University of Washington
Classification: Pathogenic for Joubert syndrome 2. Last evaluated: 2015-02-23. Review status: criteria provided, single submitter. Criteria: Bachmann-Gagescu et al. (J Med Genet. 2015). Collection method: research. Allele origin: unknown. Affected: yes.

Literature cited by the submitters: PubMed 26092869 (cited by 3 submitters); PubMed 20512146 (cited by 3 submitters).